The following is an entry in ClinVar:

ClinVar aggregate classification (germline): Pathogenic (1 of 4 stars; one submission).

Conditions:
Trichorhinophalangeal syndrome, type III (TRPS3). Also called: SUGIO-KAJII SYNDROME. Identifiers: Orphanet 77258, MedGen C1860823, OMIM 190351, MONDO:0008597.
Trichorhinophalangeal dysplasia type I (TRPS1). Also called: TRPS I; TRICHORHINOPHALANGEAL SYNDROME, TYPE I. Identifiers: Orphanet 77258, MedGen C0432233, MONDO:0008596, OMIM 190350.

Submission:

Labcorp Genetics (formerly Invitae), Labcorp
Classification: Pathogenic for Trichorhinophalangeal syndrome, type III; Trichorhinophalangeal dysplasia type I. Last evaluated: 2021-04-15. Review status: criteria provided, single submitter. Criteria: Invitae Variant Classification Sherloc (09022015). Collection method: clinical testing. Allele origin: germline.
Comment: For these reasons, this variant has been classified as Pathogenic. This variant has not been reported in the literature in individuals with TRPS1-related conditions. This variant is not present in population databases (ExAC no frequency). This sequence change creates a premature translational stop signal (p.Glu593*) in the TRPS1 gene. It is expected to result in an absent or disrupted protein product. Loss-of-function variants in TRPS1 are known to be pathogenic (PMID: 11112658).

Literature cited by the submitters: PubMed 11112658.

NM_014112.5(TRPS1):c.1777G>T (p.Glu593Ter)

Gene: TRPS1 (transcriptional repressor GATA binding 1; minus strand). Cytogenetic location: 8q23.3.
Variant type: single nucleotide variant.
Coding change: c.1777G>T on transcript NM_014112.5 (MANE Select); coding-DNA position 1777, G replaced by T.
Protein change: p.Glu593Ter; replaces glutamic acid 593 with a stop codon.
Molecular consequence: nonsense.
Genome position (GRCh38, 1-based): chr8:115,604,192, C>A on the plus strand (G>T on the coding strand, the complement: TRPS1 is on the minus strand). VCF-style: chr8-115604192-C-A. GRCh37 (hg19) VCF-style: chr8-116616419-C-A.
Other names: c.1750G>T, p.Glu584Ter (NM_001282902.3); c.1756G>T, p.Glu586Ter (NM_001282903.3); c.1738G>T, p.Glu580Ter (NM_001330599.2); short protein forms E580*, E586*, E593*, E584*.
Identifiers: ClinVar variation 1362155 (VCV001362155.6), dbSNP rs2130491235, ClinGen allele CA372066641.
Genomic context (GRCh38, chr8:115,604,192, plus strand): 5'-GAAGCAAGAGTGCACAGTGGGAACAATTACTTTTTCTACAAGCAAACGGATAAGTAATTT[C>A]TCCAAGGTGCTTTTCTGGGCTGCAAAGTCCTCTGGGACAGAATGGACAGTGTTTAATGGT-3'